The following is an entry in ClinVar:

ClinVar aggregate classification (germline): Conflicting classifications of pathogenicity. Review status: criteria provided, conflicting classifications (1 of 4 stars). 5 submissions from 5 submitters: Uncertain significance (2); Benign (1); Likely benign (1). 1 of the submissions does not count toward it. Last evaluated 2024-12-16.

Conditions:
ABCA7-related disorder. Also called: ABCA7-related condition.
Alzheimer disease 9. Also called: ALZHEIMER DISEASE 9, SUSCEPTIBILITY TO; ALZHEIMER DISEASE 9, LATE-ONSET. Identifiers: MedGen C4282179, MONDO:0012153, OMIM 608907.

Allele frequency attached by ClinVar (database versions not stated): TOPMed 0.00175; gnomAD 0.00196 and 0.00203; 1000 Genomes Project 30x 0.00078; 1000 Genomes Project 0.00100; gnomAD exomes 0.00250; ESP Exome Variant Server 0.00254; ExAC 0.00258.
gnomAD v4.1: 4,169 of 1,582,362 alleles (0.26%); highest among the groups gnomAD compares: Non-Finnish European, 0.31%; 8 homozygotes.

Submissions (13):

Women's Health and Genetics/Laboratory Corporation of America, LabCorp
Classification: Benign. Last evaluated: 2024-12-16. Review status: criteria provided, single submitter. Criteria: LabCorp Variant Classification Summary - May 2015. Collection method: clinical testing. Allele origin: germline.

Blueprint Genetics
Classification: Likely benign. Last evaluated: 2024-11-28. Review status: criteria provided, single submitter. Criteria: ACMG Guidelines, 2015. Collection method: clinical testing. Allele origin: germline.

Mendelics
Classification: Uncertain significance for Alzheimer disease 9. Last evaluated: 2023-04-11. Review status: criteria provided, single submitter. Criteria: Mendelics Assertion Criteria 2019. Collection method: clinical testing. Allele origin: germline.

CeGaT Center for Human Genetics Tuebingen
Classification: Uncertain significance. Last evaluated: 2017-11-01. Review status: criteria provided, single submitter. Criteria: CeGaT Center For Human Genetics Tuebingen Variant Classification Criteria Version 2. Collection method: clinical testing. Allele origin: germline. Affected: yes. Observed: 1 variant allele.

PreventionGenetics, part of Exact Sciences
Classification: Benign for ABCA7-related condition. Last evaluated: 2019-09-10. Review status: no assertion criteria provided. Collection method: clinical testing. Allele origin: germline. Not counted in ClinVar's aggregate classification.
Comment: This variant is classified as benign based on ACMG/AMP sequence variant interpretation guidelines (Richards et al. 2015 PMID: 25741868, with internal and published modifications).

Dr. Peter K. Rogan Lab, Western University
No classification provided (evidence only). Condition: Lung cancer. Review status: no classification provided. Collection method: in vitro. Allele origin: not applicable. Functional consequence: retained intron. Not counted in ClinVar's aggregate classification.

Dr. Peter K. Rogan Lab, Western University
No classification provided (evidence only). Condition: Lung cancer. Review status: no classification provided. Collection method: in vitro. Allele origin: not applicable. Functional consequence: retained intron. Not counted in ClinVar's aggregate classification.

Dr. Peter K. Rogan Lab, Western University
No classification provided (evidence only). Condition: Lung cancer. Review status: no classification provided. Collection method: in vitro. Allele origin: not applicable. Functional consequence: retained intron. Not counted in ClinVar's aggregate classification.

Dr. Peter K. Rogan Lab, Western University
No classification provided (evidence only). Condition: Lung cancer. Review status: no classification provided. Collection method: in vitro. Allele origin: not applicable. Functional consequence: retained intron. Not counted in ClinVar's aggregate classification.

Dr. Peter K. Rogan Lab, Western University
No classification provided (evidence only). Condition: Acute myeloid leukemia. Review status: no classification provided. Collection method: in vitro. Allele origin: not applicable. Functional consequence: retained intron. Not counted in ClinVar's aggregate classification.

Dr. Peter K. Rogan Lab, Western University
No classification provided (evidence only). Condition: Cervical cancer. Review status: no classification provided. Collection method: in vitro. Allele origin: not applicable. Functional consequence: retained intron. Not counted in ClinVar's aggregate classification.

Dr. Peter K. Rogan Lab, Western University
No classification provided (evidence only). Condition: Cervical cancer. Review status: no classification provided. Collection method: in vitro. Allele origin: not applicable. Functional consequence: retained intron. Not counted in ClinVar's aggregate classification.

Dr. Peter K. Rogan Lab, Western University
No classification provided (evidence only). Condition: Sarcoma. Review status: no classification provided. Collection method: in vitro. Allele origin: not applicable. Functional consequence: retained intron. Not counted in ClinVar's aggregate classification.

NM_019112.4(ABCA7):c.5570+5G>C

Gene: ABCA7 (ATP binding cassette subfamily A member 7; plus strand). Cytogenetic location: 19p13.3.
Variant type: single nucleotide variant.
Coding change: c.5570+5G>C on transcript NM_019112.4 (MANE Select); 5 bases into the intron after coding-DNA position 5570, G replaced by C.
Molecular consequence: intron variant.
Genome position (GRCh38, 1-based): chr19:1,061,893, G>C. VCF-style: chr19-1061893-G-C. GRCh37 (hg19) VCF-style: chr19-1061892-G-C.
Other names: NC_000019.9:g.1061892G>C; c.5570+5G>C (NM_019112.3).
Identifiers: ClinVar variation 546823 (VCV000546823.49), dbSNP rs200538373, ClinGen allele CA9034888.